The following is an entry in ClinVar:

ClinVar aggregate classification (germline): Uncertain significance (1 of 4 stars; one submission).

Allele frequency attached by ClinVar (database versions not stated): TOPMed 0.00001; ExAC 0.00002; gnomAD 0.00002 and 0.00003; gnomAD exomes 0.00002; 1000 Genomes Project 0.00020; 1000 Genomes Project 30x 0.00031.
gnomAD v4.1: 30 of 1,613,900 alleles (0.0019%); highest among the groups gnomAD compares: Admixed American, 0.0083%; no homozygotes.

Submission:

Labcorp Genetics (formerly Invitae), Labcorp
Classification: Uncertain significance. Last evaluated: 2025-11-22. Review status: criteria provided, single submitter. Criteria: Invitae Variant Classification Sherloc (09022015). Collection method: clinical testing. Allele origin: germline.
Comment: This sequence change replaces arginine, which is basic and polar, with glutamine, which is neutral and polar, at codon 186 of the PROM1 protein (p.Arg186Gln). This variant is present in population databases (rs542759235, gnomAD 0.01%). This missense change has been observed in individual(s) with clinical features of inherited retinal dystrophy (internal data). ClinVar contains an entry for this variant (Variation ID: 1517919). Invitae Evidence Modeling of protein sequence and biophysical properties (such as structural, functional, and spatial information, amino acid conservation, physicochemical variation, residue mobility, and thermodynamic stability) indicates that this missense variant is not expected to disrupt PROM1 protein function with a negative predictive value of 80%. In summary, the available evidence is currently insufficient to determine the role of this variant in disease. Therefore, it has been classified as a Variant of Uncertain Significance.

NM_006017.3(PROM1):c.557G>A (p.Arg186Gln)

Gene: PROM1 (prominin 1; minus strand). Cytogenetic location: 4p15.32.
Variant type: single nucleotide variant.
Coding change: c.557G>A on transcript NM_006017.3 (MANE Select); coding-DNA position 557, G replaced by A.
Protein change: p.Arg186Gln; replaces arginine 186 with glutamine.
Molecular consequence: missense variant.
Genome position (GRCh38, 1-based): chr4:16,025,265, C>T on the plus strand (G>A on the coding strand, the complement: PROM1 is on the minus strand). VCF-style: chr4-16025265-C-T. GRCh37 (hg19) VCF-style: chr4-16026888-C-T.
Other names: c.530G>A, p.Arg177Gln (NM_001145847.2, NM_001145848.2, NM_001145851.2 and 4 more transcripts); c.557G>A, p.Arg186Gln (NM_001145849.2, NM_001145850.2); short protein forms R177Q, R186Q.
Identifiers: ClinVar variation 1517919 (VCV001517919.8), dbSNP rs542759235, ClinGen allele CA2867044.